The following is an entry in ClinVar:

NM_018489.3(ASH1L):c.7502A>G (p.Lys2501Arg)

Gene: ASH1L (ASH1 like histone lysine methyltransferase; minus strand). Cytogenetic location: 1q22.
Variant type: single nucleotide variant.
Coding change: c.7502A>G on transcript NM_018489.3 (MANE Select); coding-DNA position 7502, A replaced by G.
Protein change: p.Lys2501Arg; replaces lysine 2501 with arginine.
Molecular consequence: missense variant.
Genome position (GRCh38, 1-based): chr1:155,349,379, T>C on the plus strand (A>G on the coding strand, the complement: ASH1L is on the minus strand). VCF-style: chr1-155349379-T-C. GRCh37 (hg19) VCF-style: chr1-155319170-T-C.
Other names: c.7517A>G, p.Lys2506Arg (NM_001366177.2); short protein forms K2501R, K2506R.
Identifiers: ClinVar variation 2444732 (VCV002444732.1), dbSNP rs2525713886, ClinGen allele CA342741823.
Genomic context (GRCh38, chr1:155,349,379, plus strand): 5'-AAAAATACCTCAGCATTCCGAAAGACTTTGAGCATGTCAGCATCAAAAGCTTCCACTGTC[T>C]TATAGTAACCAGTGAGGATCTGCTTCTCTATGGTGATAAGATCTAGGGGATCAGAGATCT-3'
Protein context (NP_060959.2, residues 2491-2511): IEKQILTGYY[Lys2501Arg]TVEAFDADML

ClinVar aggregate classification (germline): Uncertain significance (1 of 4 stars; one submission).

Submission:

GeneDx
Classification: Uncertain significance. Last evaluated: 2022-09-15. Review status: criteria provided, single submitter. Criteria: GeneDx Variant Classification Process June 2021. Collection method: clinical testing. Allele origin: germline. Affected: yes.
Comment: Reported in an individual with Tourette syndrome in published literature (Liu et al., 2020); Not observed at significant frequency in large population cohorts (gnomAD); In silico analysis supports that this missense variant does not alter protein structure/function; This variant is associated with the following publications: (PMID: 31673123)